The following is an entry in ClinVar:

NM_001318852.2(MAPK8IP3):c.648C>T (p.Asp216=)

Gene: MAPK8IP3 (mitogen-activated protein kinase 8 interacting protein 3; plus strand). Cytogenetic location: 16p13.3.
Variant type: single nucleotide variant.
Coding change: c.648C>T on transcript NM_001318852.2 (MANE Select); coding-DNA position 648, C replaced by T.
Protein change: p.Asp216=; no amino-acid change (aspartic acid 216 retained).
Molecular consequence: synonymous variant.
Genome position (GRCh38, 1-based): chr16:1,743,377, C>T. VCF-style: chr16-1743377-C-T. GRCh37 (hg19) VCF-style: chr16-1793378-C-T.
Other names: c.645C>T, p.Asp215= (NM_001040439.2, NM_015133.5, NM_033392.3).
Identifiers: ClinVar variation 3045342 (VCV003045342.2), dbSNP rs201722762, ClinGen allele CA7816435.

ClinVar aggregate classification (germline): Likely benign (0 of 4 stars; one submission).

Conditions:
MAPK8IP3-related disorder. Also called: MAPK8IP3-related condition.

Allele frequency attached by ClinVar (database versions not stated): gnomAD exomes 0.00004; ExAC 0.00008; 1000 Genomes Project 30x 0.00016; TOPMed 0.00018; gnomAD 0.00019; 1000 Genomes Project 0.00020; ESP Exome Variant Server 0.00040.
gnomAD v4.1: 104 of 1,575,838 alleles (0.0066%); highest among the groups gnomAD compares: African/African-American, 0.083%; no homozygotes.

Submission:

PreventionGenetics, part of Exact Sciences
Classification: Likely benign for MAPK8IP3-related condition. Last evaluated: 2021-12-22. Review status: no assertion criteria provided. Collection method: clinical testing. Allele origin: germline.
Comment: This variant is classified as likely benign based on ACMG/AMP sequence variant interpretation guidelines (Richards et al. 2015 PMID: 25741868, with internal and published modifications).